The following is an entry in ClinVar:

NM_000702.4(ATP1A2):c.1578G>A (p.Pro526=)

Gene: ATP1A2 (ATPase Na+/K+ transporting subunit alpha 2; plus strand). Cytogenetic location: 1q23.2.
Variant type: single nucleotide variant.
Coding change: c.1578G>A on transcript NM_000702.4 (MANE Select); coding-DNA position 1578, G replaced by A.
Protein change: p.Pro526=; no amino-acid change (proline 526 retained).
Molecular consequence: synonymous variant.
Genome position (GRCh38, 1-based): chr1:160,130,218, G>A. VCF-style: chr1-160130218-G-A. GRCh37 (hg19) VCF-style: chr1-160100008-G-A.
Identifiers: ClinVar variation 387509 (VCV000387509.17), dbSNP rs376128790, ClinGen allele CA1194528.

ClinVar aggregate classification (germline): Conflicting classifications of pathogenicity. Review status: criteria provided, conflicting classifications (1 of 4 stars). 4 submissions from 3 submitters: Uncertain significance (1); Likely benign (3). Last evaluated 2024-07-29.

Conditions:
Familial hemiplegic migraine. Identifiers: MedGen C0338484, MONDO:0000700.
Migraine, familial hemiplegic, 2. Identifiers: OMIM 602481, Orphanet 569, MedGen C1865322, MONDO:0011232.
Alternating hemiplegia of childhood 1 (AHC1). Identifiers: Orphanet 2131, MedGen C3549447, MONDO:0007087, OMIM 104290.

Allele frequency attached by ClinVar (database versions not stated): gnomAD 0.00002 and 0.00003; TOPMed 0.00003; gnomAD exomes 0.00004; ExAC 0.00005; ESP Exome Variant Server 0.00008.
gnomAD v4.1: 102 of 1,614,176 alleles (0.0063%); highest among the groups gnomAD compares: Non-Finnish European, 0.0085%; no homozygotes.

Submissions (4):

Labcorp Genetics (formerly Invitae), Labcorp
Classification: Likely benign for Familial hemiplegic migraine. Last evaluated: 2024-07-29. Review status: criteria provided, single submitter. Criteria: Invitae Variant Classification Sherloc (09022015). Collection method: clinical testing. Allele origin: germline.

GeneDx
Classification: Likely benign. Last evaluated: 2021-05-27. Review status: criteria provided, single submitter. Criteria: GeneDx Variant Classification Process June 2021. Collection method: clinical testing. Allele origin: germline. Affected: yes.

Illumina Laboratory Services, Illumina
Classification: Likely benign for Alternating hemiplegia of childhood 1. Last evaluated: 2017-04-27. Review status: criteria provided, single submitter. Criteria: ICSL Variant Classification Criteria 13 December 2019. Collection method: clinical testing. Allele origin: germline.
Comment: This variant was observed as part of a predisposition screen in an ostensibly healthy population. A literature search was performed for the gene, cDNA change, and amino acid change (where applicable). No publications were found based on this search. Allele frequency data from public databases allowed determination this variant is unlikely to cause disease. Therefore, this variant is classified as likely benign.

Illumina Laboratory Services, Illumina
Classification: Uncertain significance for Migraine, familial hemiplegic, 2. Last evaluated: 2017-04-27. Review status: criteria provided, single submitter. Criteria: ICSL Variant Classification Criteria 13 December 2019. Collection method: clinical testing. Allele origin: germline.